The following is an entry in ClinVar:

ClinVar aggregate classification (germline): Uncertain significance. Review status: criteria provided, single submitter (1 of 4 stars). 2 submissions from 2 submitters: Uncertain significance (1). 1 of the submissions does not count toward it. Last evaluated 2022-03-18.

Conditions:
CHCHD10-related disorder. Also called: CHCHD10-related condition; CHCHD10-Related Disorders. Identifiers: MedGen CN381526.
Autosomal dominant mitochondrial myopathy with exercise intolerance (IMMD). Also called: Myopathy, isolated mitochondrial, autosomal dominant. Identifiers: Orphanet 457050, MedGen C4015513, MONDO:0014532, OMIM 616209.
Lower motor neuron syndrome with late-adult onset (SMAJ). Also called: Spinal muscular atrophy, Jokela type; Late-Onset Spinal Motor Neuronopathy (SMAJ). Identifiers: Orphanet 276435, MedGen C3554398, MONDO:0014025, OMIM 615048.
Frontotemporal dementia and/or amyotrophic lateral sclerosis 2. Also called: FTDALS2. Identifiers: Orphanet 275872, MedGen C4014648, MONDO:0014395, OMIM 615911.

Allele frequency attached by ClinVar (database versions not stated): gnomAD exomes below 0.00001.
gnomAD v4.1: 4 of 1,612,350 alleles (0.00025%); highest among the groups gnomAD compares: Non-Finnish European, 0.00034%; no homozygotes.

Submissions (2):

Labcorp Genetics (formerly Invitae), Labcorp
Classification: Uncertain significance for Lower motor neuron syndrome with late-adult onset; Frontotemporal dementia and/or amyotrophic lateral sclerosis 2; Autosomal dominant mitochondrial myopathy with exercise intolerance. Last evaluated: 2022-03-18. Review status: criteria provided, single submitter. Criteria: Invitae Variant Classification Sherloc (09022015). Collection method: clinical testing. Allele origin: germline.
Comment: This sequence change replaces leucine, which is neutral and non-polar, with proline, which is neutral and non-polar, at codon 129 of the CHCHD10 protein (p.Leu129Pro). This variant is not present in population databases (gnomAD no frequency). This variant has not been reported in the literature in individuals affected with CHCHD10-related conditions. ClinVar contains an entry for this variant (Variation ID: 568579). Algorithms developed to predict the effect of missense changes on protein structure and function (SIFT, PolyPhen-2, Align-GVGD) all suggest that this variant is likely to be disruptive. In summary, the available evidence is currently insufficient to determine the role of this variant in disease. Therefore, it has been classified as a Variant of Uncertain Significance.

PreventionGenetics, part of Exact Sciences
Classification: Uncertain significance for CHCHD10-related condition. Last evaluated: 2024-06-06. Review status: no assertion criteria provided. Collection method: clinical testing. Allele origin: germline. Not counted in ClinVar's aggregate classification.
Comment: The CHCHD10 c.386T>C variant is predicted to result in the amino acid substitution p.Leu129Pro. To our knowledge, this variant has not been reported in the literature or in a large population database, indicating this variant is rare. At this time, the clinical significance of this variant is uncertain due to the absence of conclusive functional and genetic evidence.

NM_213720.3(CHCHD10):c.386T>C (p.Leu129Pro)

Gene: CHCHD10 (coiled-coil-helix-coiled-coil-helix domain containing 10; minus strand). Cytogenetic location: 22q11.23.
Variant type: single nucleotide variant.
Coding change: c.386T>C on transcript NM_213720.3 (MANE Select); coding-DNA position 386, T replaced by C.
Protein change: p.Leu129Pro; replaces leucine 129 with proline.
Molecular consequence: missense variant. On other transcripts: non-coding transcript variant (2).
Genome position (GRCh38, 1-based): chr22:23,766,151, A>G on the plus strand (T>C on the coding strand, the complement: CHCHD10 is on the minus strand). VCF-style: chr22-23766151-A-G. GRCh37 (hg19) VCF-style: chr22-24108338-A-G.
Other names: c.407T>C, p.Leu136Pro (NM_001301339.2); short protein forms L129P, L136P.
Identifiers: ClinVar variation 568579 (VCV000568579.11), dbSNP rs1569149526, ClinGen allele CA410914161.
Genomic context (GRCh38, chr22:23,766,151, plus strand): 5'-TCCCCCTCCCCGCCTGAGTCGGGGTCCACTCACTCACCATGGTAGTACTTGCACTGCTTC[A>G]GGGCCTCGCTGAAGCCCTCACACAGGGACAGGTCACTCTGAGTGGTGGAACAGTCCAGGA-3'
Protein context (NP_998885.1, residues 119-139): LSLCEGFSEA[Leu129Pro]KQCKYYHGLS